The following is an entry in ClinVar:

NM_001267550.2(TTN):c.13048G>A (p.Val4350Met)

Gene: TTN (titin; minus strand). Cytogenetic location: 2q31.2.
Variant type: single nucleotide variant.
Coding change: c.13048G>A on transcript NM_001267550.2 (MANE Select); coding-DNA position 13048, G replaced by A.
Protein change: p.Val4350Met; replaces valine 4350 with methionine.
Molecular consequence: missense variant. On other transcripts: intron variant (1).
Genome position (GRCh38, 1-based): chr2:178,740,185, C>T on the plus strand (G>A on the coding strand, the complement: TTN is on the minus strand). VCF-style: chr2-178740185-C-T. GRCh37 (hg19) VCF-style: chr2-179604912-C-T.
Other names: c.12097G>A, p.Val4033Met (NM_001256850.1); c.11959G>A, p.Val3987Met (NM_003319.4); c.12334G>A, p.Val4112Met (NM_133432.3); c.12535G>A, p.Val4179Met (NM_133437.4); c.10361-1825G>A (NM_133378.4); short protein forms V4350M, V4033M, V4112M, V3987M, V4179M.
Identifiers: ClinVar variation 404906 (VCV000404906.23), dbSNP rs781206839, ClinGen allele CA2002633.
Genomic context (GRCh38, chr2:178,740,185, plus strand): 5'-GCACTTTCTTTATTGCCACGGGCTCTCTTTTAGACTCAATGATTTGGTCTGGGGGCATCA[C>T]CACGTTGTCAGAATGCTCTTCTTTGAGCAGTACCTGCTTTTCTTCAAGTGCTAGTGGAAA-3'
Protein context (NP_001254479.2, residues 4340-4360): LLKEEHSDNV[Val4350Met]MPPDQIIESK

ClinVar aggregate classification (germline): Conflicting classifications of pathogenicity. Review status: criteria provided, conflicting classifications (1 of 4 stars). 4 submissions from 4 submitters: Uncertain significance (3); Likely benign (1). Last evaluated 2026-09-18.

Conditions:
TTN-related disorder. Also called: TTN-related condition; TTN-related disease; TTN-related disorders.
Autosomal recessive limb-girdle muscular dystrophy type 2J (LGMDR10). Also called: Limb-girdle muscular dystrophy, type 2J; MUSCULAR DYSTROPHY, LIMB-GIRDLE, AUTOSOMAL RECESSIVE 10. Identifiers: Orphanet 140922, MedGen C1837342, MONDO:0012127, OMIM 608807.
Dilated cardiomyopathy 1G (CMD1G). Identifiers: Orphanet 154, MedGen C1858763, MONDO:0011400, OMIM 604145.

Allele frequency attached by ClinVar (database versions not stated): ExAC 0.00003; gnomAD 0.00003; gnomAD exomes 0.00004; TOPMed 0.00007.
gnomAD v4.1: 42 of 1,613,370 alleles (0.0026%); highest among the groups gnomAD compares: Middle Eastern, 0.016%; no homozygotes.

Submissions (4):

PreventionGenetics, part of Exact Sciences
Classification: Uncertain significance for TTN-related condition. Last evaluated: 2026-09-18. Review status: criteria provided, single submitter. Criteria: ACMG Guidelines, 2015. Collection method: clinical testing. Allele origin: germline.
Comment: The TTN c.13048G>A variant is predicted to result in the amino acid substitution p.Val4350Met. This variant has been reported as a variant of uncertain significance in an individual with dilated cardiomyopathy (Supplemental Table II, van der Meulen et al. 2022. PubMed ID: 36178741). This variant is reported in 0.0071% of alleles in individuals of European (Non-Finnish) descent in gnomAD. At this time, the clinical significance of this variant is uncertain due to the absence of conclusive functional and genetic evidence.

CeGaT Center for Human Genetics Tuebingen
Classification: Uncertain significance. Last evaluated: 2024-05-01. Review status: criteria provided, single submitter. Criteria: CeGaT Center For Human Genetics Tuebingen Variant Classification Criteria Version 2. Collection method: clinical testing. Allele origin: germline. Affected: yes. Observed: 1 variant allele.
Comment: TTN: PM2, BP4

GeneDx
Classification: Likely benign. Last evaluated: 2018-01-30. Review status: criteria provided, single submitter. Criteria: GeneDx Variant Classification (06012015). Collection method: clinical testing. Allele origin: germline. Affected: yes.
Comment: This variant is considered likely benign or benign based on one or more of the following criteria: it is a conservative change, it occurs at a poorly conserved position in the protein, it is predicted to be benign by multiple in silico algorithms, and/or has population frequency not consistent with disease.

Labcorp Genetics (formerly Invitae), Labcorp
Classification: Uncertain significance for Dilated cardiomyopathy 1G; Autosomal recessive limb-girdle muscular dystrophy type 2J. Last evaluated: 2016-08-01. Review status: criteria provided, single submitter. Criteria: Invitae Variant Classification Sherloc (09022015). Collection method: clinical testing. Allele origin: germline.